The following is an entry in ClinVar:

ClinVar aggregate classification (germline): Uncertain significance (1 of 4 stars; one submission).

Conditions:
Hereditary pancreatitis (PCTT). Also called: PRSS1-Related Hereditary Pancreatitis; Hereditary chronic pancreatitis. Identifiers: Orphanet 676, MedGen C0238339, MONDO:0008185, OMIM 167800.

Submission:

Ambry Genetics
Classification: Uncertain significance for Hereditary pancreatitis. Last evaluated: 2025-02-02. Review status: criteria provided, single submitter. Criteria: Ambry Variant Classification Scheme 2023. Collection method: clinical testing. Allele origin: germline.
Comment: The p.L110S variant (also known as c.329T>C), located in coding exon 3 of the PRSS1 gene, results from a T to C substitution at nucleotide position 329. The leucine at codon 110 is replaced by serine, an amino acid with dissimilar properties. This amino acid position is conserved. In addition, this alteration is predicted to be deleterious by in silico analysis. Based on the available evidence, the clinical significance of this variant remains unclear.

NM_002769.5(PRSS1):c.329T>C (p.Leu110Ser)

Genes: PRSS1 (serine protease 1; plus strand), TRB (T cell receptor beta locus; plus strand). Cytogenetic location: 7q34.
Variant type: single nucleotide variant.
Coding change: c.329T>C on transcript NM_002769.5 (MANE Select); coding-DNA position 329, T replaced by C.
Protein change: p.Leu110Ser; replaces leucine 110 with serine.
Molecular consequence: missense variant. On other transcripts: non-coding transcript variant (4).
Genome position (GRCh38, 1-based): chr7:142,751,902, T>C. VCF-style: chr7-142751902-T-C. GRCh37 (hg19) VCF-style: chr7-142459753-T-C.
Other names: short protein forms L110S.
Identifiers: ClinVar variation 3783983 (VCV003783983.1).